The following is an entry in ClinVar:

NM_001267550.2(TTN):c.87102T>A (p.Leu29034=)

Genes: TTN (titin; minus strand), TTN-AS1 (TTN antisense RNA 1; plus strand). Cytogenetic location: 2q31.2.
Variant type: single nucleotide variant.
Coding change: c.87102T>A on transcript NM_001267550.2 (MANE Select); coding-DNA position 87102, T replaced by A.
Protein change: p.Leu29034=; no amino-acid change (leucine 29034 retained).
Molecular consequence: synonymous variant.
Genome position (GRCh38, 1-based): chr2:178,558,357, A>T on the plus strand (T>A on the coding strand, the complement: TTN is on the minus strand). VCF-style: chr2-178558357-A-T. GRCh37 (hg19) VCF-style: chr2-179423084-A-T.
Other names: c.79398T>A, p.Leu26466= (NM_133378.4); c.82179T>A, p.Leu27393= (NM_001256850.1); c.59907T>A, p.Leu19969= (NM_003319.4); c.60282T>A, p.Leu20094= (NM_133432.3); c.60483T>A, p.Leu20161= (NM_133437.4).
Identifiers: ClinVar variation 228159 (VCV000228159.16), dbSNP rs781200259, ClinGen allele CA1988382.

ClinVar aggregate classification (germline): Likely benign. Review status: criteria provided, multiple submitters, no conflicts (2 of 4 stars). 4 submissions from 4 submitters: Likely benign (4). Last evaluated 2026-04-20.

Conditions:
Dilated cardiomyopathy 1G (CMD1G). Identifiers: Orphanet 154, MedGen C1858763, MONDO:0011400, OMIM 604145.
Autosomal recessive limb-girdle muscular dystrophy type 2J (LGMDR10). Also called: Limb-girdle muscular dystrophy, type 2J; MUSCULAR DYSTROPHY, LIMB-GIRDLE, AUTOSOMAL RECESSIVE 10. Identifiers: Orphanet 140922, MedGen C1837342, MONDO:0012127, OMIM 608807.
Cardiovascular phenotype. Identifiers: MedGen CN230736.
Cardiomyopathy (CMYO). Also called: Cardiomyopathies. Identifiers: Orphanet 167848, MedGen C0878544, MONDO:0004994, HP:0001638. Inheritance: Various modes of inheritance.

Allele frequency attached by ClinVar (database versions not stated): TOPMed below 0.00001; ExAC 0.00002; gnomAD exomes below 0.00001 and 0.00002.
gnomAD v4.1: 6 of 1,612,198 alleles (0.00037%); highest among the groups gnomAD compares: East Asian, 0.011%; no homozygotes.

Submissions (4):

Ambry Genetics
Classification: Likely benign for Cardiovascular phenotype. Last evaluated: 2026-04-20. Review status: criteria provided, single submitter. Criteria: Ambry Variant Classification Scheme 2023. Collection method: clinical testing. Allele origin: germline.

Labcorp Genetics (formerly Invitae), Labcorp
Classification: Likely benign for Dilated cardiomyopathy 1G; Autosomal recessive limb-girdle muscular dystrophy type 2J. Last evaluated: 2023-11-08. Review status: criteria provided, single submitter. Criteria: Invitae Variant Classification Sherloc (09022015). Collection method: clinical testing. Allele origin: germline.

CHEO Genetics Diagnostic Laboratory, Children's Hospital of Eastern Ontario
Classification: Likely benign for Cardiomyopathy. Last evaluated: 2020-04-15. Review status: criteria provided, single submitter. Criteria: ACMG Guidelines, 2015. Collection method: clinical testing. Allele origin: germline.

Laboratory for Molecular Medicine, Mass General Brigham Personalized Medicine
Classification: Likely benign. Last evaluated: 2015-03-13. Review status: criteria provided, single submitter. Criteria: LMM Criteria. Collection method: clinical testing. Allele origin: germline. Observed: 1 variant allele.
Comment: p.Leu26466Leup in exon 276 of TTN: This variant is not expected to have clinical significance because it does not alter an amino acid residue and is not located within the splice consensus sequence. It has been identified in 2/7800 East Asi an chromosomes by the Exome Aggregation Consortium (ExAC).